The following is an entry in ClinVar:

ClinVar aggregate classification (germline): Uncertain significance (1 of 4 stars; one submission).

Submission:

CeGaT Center for Human Genetics Tuebingen
Classification: Uncertain significance. Last evaluated: 2022-10-01. Review status: criteria provided, single submitter. Criteria: CeGaT Center For Human Genetics Tuebingen Variant Classification Criteria Version 2. Collection method: clinical testing. Allele origin: germline. Affected: yes. Observed: 1 variant allele.
Comment: BRCA1: PM2

NM_007294.4(BRCA1):c.796G>T (p.Val266Phe)

Gene: BRCA1 (BRCA1 DNA repair associated; minus strand). Cytogenetic location: 17q21.31.
Variant type: single nucleotide variant.
Coding change: c.796G>T on transcript NM_007294.4 (MANE Select); coding-DNA position 796, G replaced by T.
Protein change: p.Val266Phe; replaces valine 266 with phenylalanine.
Molecular consequence: missense variant. On other transcripts: intron variant (137), 5 prime UTR variant (2).
Genome position (GRCh38, 1-based): chr17:43,094,735, C>A on the plus strand (G>T on the coding strand, the complement: BRCA1 is on the minus strand). VCF-style: chr17-43094735-C-A. GRCh37 (hg19) VCF-style: chr17-41246752-C-A.
Other names: c.583+9G>T (NM_001408475.1); c.709+9G>T (NM_001408412.1, NM_001408409.1, NM_001408414.1 and 2 more transcripts); c.451+9G>T (NM_001408509.1, NM_001408508.1); c.574+9G>T (NM_001408491.1, NM_001408493.1, NM_001408490.1); c.460+1111G>T (NM_001408506.1, NM_001408507.1); c.577+9G>T (NM_001408481.1, NM_001408480.1, NM_001408492.1 and 9 more transcripts); c.778+9G>T (NM_001408408.1); c.661+9G>T (NM_001408446.1, NM_001408435.1, NM_001408448.1 and 6 more transcripts); and 40 more; short protein forms V138F, V139F, V154F, V155F, V177F, V178F, V195F, V196F.
Identifiers: ClinVar variation 2647811 (VCV002647811.24), dbSNP rs2154492345, ClinGen allele CA10600488.